The following is an entry in ClinVar:

ClinVar aggregate classification (germline): Uncertain significance (1 of 4 stars; one submission).

Conditions:
Cardiovascular phenotype. Identifiers: MedGen CN230736.

Submission:

Ambry Genetics
Classification: Uncertain significance for Cardiovascular phenotype. Last evaluated: 2026-07-20. Review status: criteria provided, single submitter. Criteria: Ambry Variant Classification Scheme 2023. Collection method: clinical testing. Allele origin: germline.
Comment: The c.1012-2A>C intronic variant results from an A to C substitution two nucleotides upstream from coding exon 7 in the ABCC9 gene. This nucleotide position is well conserved in available vertebrate species. In silico splice site analysis predicts that this alteration will weaken the native splice acceptor site and will result in the creation or strengthening of a novel splice acceptor site. Variants that disrupt the canonical splice site are expected to cause aberrant splicing, resulting in an abnormal protein or a transcript that is subject to nonsense-mediated mRNA decay. Although biallelic loss of function of ABCC9 has been associated with autosomal recessive ABCC9-related neurodevelopmental myopathy syndrome, haploinsufficiency of ABCC9 has not been established as a mechanism of disease for autosomal dominant ABCC9-related Cantu syndrome. Based on the supporting evidence, this variant is expected to be causative of autosomal recessive ABCC9-related neurodevelopmental myopathy syndrome when present along with a second pathogenic variant on the other allele; however, its clinical significance for autosomal dominant ABCC9-related Cantu syndrome is unclear.

NM_020297.4(ABCC9):c.1012-2A>C

Gene: ABCC9 (ATP binding cassette subfamily C member 9; minus strand). Cytogenetic location: 12p12.1.
Variant type: single nucleotide variant.
Coding change: c.1012-2A>C on transcript NM_020297.4 (MANE Select); the canonical splice acceptor site of the intron before coding-DNA position 1012, A replaced by C.
Molecular consequence: splice acceptor variant.
Genome position (GRCh38, 1-based): chr12:21,910,980, T>G on the plus strand (A>C on the coding strand, the complement: ABCC9 is on the minus strand). VCF-style: chr12-21910980-T-G. GRCh37 (hg19) VCF-style: chr12-22063914-T-G.
Other names: c.148-2A>C (NM_001377274.1); c.1012-2A>C (NM_005691.4, NM_001377273.1).
Identifiers: ClinVar variation 1732331 (VCV001732331.3), dbSNP rs1345994016, ClinGen allele CA384120428.
Genomic context (GRCh38, chr12:21,910,980, plus strand): 5'-AGAACTGCTAGAACGTAAGCGTTTTCAAGAAATTCCTTTGATGAGAGGGTTTCTGAAATC[T>G]GGTCCCCAAAGAAAAAAAGTGTCATATTAAAACTCGTCTTTTTATAGACCAGGTGTACAG-3'